The following is an entry in ClinVar:

ClinVar aggregate classification (germline): Uncertain significance. Review status: criteria provided, multiple submitters, no conflicts (2 of 4 stars). 2 submissions from 2 submitters: Uncertain significance (2). Last evaluated 2025-06-12.

gnomAD v4.1: 11 of 1,505,436 alleles (0.00073%); highest among the groups gnomAD compares: Admixed American, 0.016%; no homozygotes.

Submissions (2):

Ambry Genetics
Classification: Uncertain significance. Last evaluated: 2025-06-12. Review status: criteria provided, single submitter. Criteria: Ambry Variant Classification Scheme 2023. Collection method: clinical testing. Allele origin: germline.

GeneDx
Classification: Uncertain significance. Last evaluated: 2022-07-11. Review status: criteria provided, single submitter. Criteria: GeneDx Variant Classification Process June 2021. Collection method: clinical testing. Allele origin: germline. Affected: yes.
Comment: In silico analysis supports that this missense variant has a deleterious effect on protein structure/function; Has not been previously published as pathogenic or benign to our knowledge; Variants in candidate genes are classified as variants of uncertain significance in accordance with ACMG guidelines (Richards et al., 2015)

NM_198075.4(LRRC56):c.656T>C (p.Val219Ala)

Gene: LRRC56 (leucine rich repeat containing 56; plus strand). Cytogenetic location: 11p15.5.
Variant type: single nucleotide variant.
Coding change: c.656T>C on transcript NM_198075.4 (MANE Select); coding-DNA position 656, T replaced by C.
Protein change: p.Val219Ala; replaces valine 219 with alanine.
Molecular consequence: missense variant.
Genome position (GRCh38, 1-based): chr11:551,162, T>C. VCF-style: chr11-551162-T-C. GRCh37 (hg19) VCF-style: chr11-551162-T-C.
Other names: short protein forms V219A.
Identifiers: ClinVar variation 4049249 (VCV004049249.2).
Genomic context (GRCh38, chr11:551,162, plus strand): 5'-CCTCCCTCCCCCTCCCCCTCCCCCTGCAGGTGCCCAGGGGCTACAACTACAGGGCAGAGG[T>C]GAGGAAGCTCATTCCCCAGCTGCAGGTCCTGGACGAAGTGCCGGCCGCACACACAGGCCC-3'
Protein context (NP_932341.1, residues 209-229): VPRGYNYRAE[Val219Ala]RKLIPQLQVL